The following is an entry in ClinVar:

ClinVar aggregate classification (germline): Uncertain significance (1 of 4 stars; one submission).

Submission:

Labcorp Genetics (formerly Invitae), Labcorp
Classification: Uncertain significance. Last evaluated: 2021-08-26. Review status: criteria provided, single submitter. Criteria: Invitae Variant Classification Sherloc (09022015). Collection method: clinical testing. Allele origin: germline.
Comment: This sequence change replaces glycine with arginine at codon 6242 of the ADGRV1 protein (p.Gly6242Arg). The glycine residue is moderately conserved and there is a moderate physicochemical difference between glycine and arginine. This variant is not present in population databases (ExAC no frequency). This variant has not been reported in the literature in individuals affected with ADGRV1-related conditions. Algorithms developed to predict the effect of missense changes on protein structure and function are either unavailable or do not agree on the potential impact of this missense change (SIFT: "Deleterious"; PolyPhen-2: "Probably Damaging"; Align-GVGD: "Class C0"). Algorithms developed to predict the effect of sequence changes on RNA splicing suggest that this variant may create or strengthen a splice site. In summary, the available evidence is currently insufficient to determine the role of this variant in disease. Therefore, it has been classified as a Variant of Uncertain Significance.

NM_032119.4(ADGRV1):c.18724G>A (p.Gly6242Arg)

Gene: ADGRV1 (adhesion G protein-coupled receptor V1; plus strand). Cytogenetic location: 5q14.3.
Variant type: single nucleotide variant.
Coding change: c.18724G>A on transcript NM_032119.4 (MANE Select); coding-DNA position 18724, G replaced by A.
Protein change: p.Gly6242Arg; replaces glycine 6242 with arginine.
Molecular consequence: missense variant. On other transcripts: non-coding transcript variant (1).
Genome position (GRCh38, 1-based): chr5:91,153,320, G>A. VCF-style: chr5-91153320-G-A. GRCh37 (hg19) VCF-style: chr5-90449137-G-A.
Other names: short protein forms G6242R.
Identifiers: ClinVar variation 1053993 (VCV001053993.6), dbSNP rs2126914778, ClinGen allele CA360432650.